The following is an entry in ClinVar:

ClinVar aggregate classification (germline): Uncertain significance (1 of 4 stars; one submission).

Conditions:
Familial thoracic aortic aneurysm and aortic dissection (TAAD). Also called: Thoracic aortic aneurysms and dissections. Identifiers: Orphanet 91387, MedGen C4707243, MONDO:0019625.

gnomAD v4.1: 3 of 1,591,620 alleles (0.00019%); highest among the groups gnomAD compares: East Asian, 0.0045%; no homozygotes.

Submission:

Ambry Genetics
Classification: Uncertain significance for Familial thoracic aortic aneurysm and aortic dissection. Last evaluated: 2026-07-10. Review status: criteria provided, single submitter. Criteria: Ambry Variant Classification Scheme 2023. Collection method: clinical testing. Allele origin: germline.
Comment: The p.P1386S variant (also known as c.4156C>T), located in coding exon 25 of the NOTCH1 gene, results from a C to T substitution at nucleotide position 4156. The proline at codon 1386 is replaced by serine, an amino acid with similar properties. This amino acid position is conserved. In addition, the in silico prediction for this alteration is inconclusive. Based on the available evidence, the clinical significance of this variant remains unclear.

NM_017617.5(NOTCH1):c.4156C>T (p.Pro1386Ser)

Gene: NOTCH1 (notch receptor 1; minus strand). Cytogenetic location: 9q34.3.
Variant type: single nucleotide variant.
Coding change: c.4156C>T on transcript NM_017617.5 (MANE Select); coding-DNA position 4156, C replaced by T.
Protein change: p.Pro1386Ser; replaces proline 1386 with serine.
Molecular consequence: missense variant.
Genome position (GRCh38, 1-based): chr9:136,505,740, G>A on the plus strand (C>T on the coding strand, the complement: NOTCH1 is on the minus strand). VCF-style: chr9-136505740-G-A. GRCh37 (hg19) VCF-style: chr9-139400192-G-A.
Other names: short protein forms P1386S.
Identifiers: ClinVar variation 5025799 (VCV005025799.1).
Genomic context (GRCh38, chr9:136,505,740, plus strand): 5'-TGGGCTCACAGGTCCCCTGGTTGTAGCAGGGGTTGCCGCCCAGGCAGGGGCTGCTGGCCG[G>A]GAACTGGCATTCGGGGCCCGTGAAGGGGCCCAGGCACAGGCAGGTGGGGCTGCGCGGGCC-3'
Protein context (NP_060087.3, residues 1376-1396): GPFTGPECQF[Pro1386Ser]ASSPCLGGNP